The following is an entry in ClinVar:

ClinVar aggregate classification (germline): Uncertain significance (1 of 4 stars; one submission).

Submission:

Labcorp Genetics (formerly Invitae), Labcorp
Classification: Uncertain significance. Last evaluated: 2025-09-14. Review status: criteria provided, single submitter. Criteria: Invitae Variant Classification Sherloc (09022015). Collection method: clinical testing. Allele origin: germline.
Comment: This sequence change replaces asparagine, which is neutral and polar, with lysine, which is basic and polar, at codon 55 of the DTHD1 protein (p.Asn55Lys). This variant is not present in population databases (gnomAD no frequency). This variant has not been reported in the literature in individuals affected with DTHD1-related conditions. An algorithm developed to predict the effect of missense changes on protein structure and function (PolyPhen-2) suggests that this variant is likely to be disruptive. In summary, the available evidence is currently insufficient to determine the role of this variant in disease. Therefore, it has been classified as a Variant of Uncertain Significance.

NM_001170700.3(DTHD1):c.1035C>A (p.Asn345Lys)

Gene: DTHD1 (death domain containing 1; plus strand). Cytogenetic location: 4p14.
Variant type: single nucleotide variant.
Coding change: c.1035C>A on transcript NM_001170700.3 (MANE Select); coding-DNA position 1035, C replaced by A.
Protein change: p.Asn345Lys; replaces asparagine 345 with lysine.
Molecular consequence: missense variant. On other transcripts: non-coding transcript variant (2).
Genome position (GRCh38, 1-based): chr4:36,290,520, C>A. VCF-style: chr4-36290520-C-A. GRCh37 (hg19) VCF-style: chr4-36292142-C-A.
Other names: c.165C>A, p.Asn55Lys (NM_001136536.5, NM_001378435.1); short protein forms N55K, N345K.
Identifiers: ClinVar variation 4754412 (VCV004754412.1).